The following is an entry in ClinVar:

NM_006208.3(ENPP1):c.2462G>A (p.Arg821His)

Gene: ENPP1 (ectonucleotide pyrophosphatase/phosphodiesterase 1; plus strand). Cytogenetic location: 6q23.2.
Variant type: single nucleotide variant.
Coding change: c.2462G>A on transcript NM_006208.3 (MANE Select); coding-DNA position 2462, G replaced by A.
Protein change: p.Arg821His; replaces arginine 821 with histidine.
Molecular consequence: missense variant.
Genome position (GRCh38, 1-based): chr6:131,886,579, G>A. VCF-style: chr6-131886579-G-A. GRCh37 (hg19) VCF-style: chr6-132207719-G-A.
Other names: short protein forms R821H.
Identifiers: ClinVar variation 788102 (VCV000788102.30), dbSNP rs367759638, ClinGen allele CA4002547.
Genomic context (GRCh38, chr6:131,886,579, plus strand): 5'-ATAGTTATTTCTTTCTTAAAATGAATATTGGCATGTTTTACAGAAAAAGAAGAGTCATCC[G>A]TAACCAAGAAATTTTGATTCCAACTCACTTCTTTATTGTGCTAACAAGCTGTAAAGATAC-3'
Protein context (NP_006199.2, residues 811-831): ENLRQKRRVI[Arg821His]NQEILIPTHF

ClinVar aggregate classification (germline): Conflicting classifications of pathogenicity. Review status: criteria provided, conflicting classifications (1 of 4 stars). 6 submissions from 5 submitters: Uncertain significance (2); Benign (3). 1 of the submissions does not count toward it. Last evaluated 2026-02-01.

Conditions:
Arterial calcification, generalized, of infancy, 1 (GACI1). Also called: Idiopathic Infantile Arterial Calcification. Identifiers: Orphanet 51608, MedGen C4551985, MONDO:0008817, OMIM 208000.
Hypophosphatemic rickets, autosomal recessive, 2 (ARHR2). Identifiers: Orphanet 289176, MedGen C2750078, MONDO:0013219, OMIM 613312.
ENPP1-related disorder. Also called: ENPP1-related condition; ENPP1-related disorders.

Allele frequency attached by ClinVar (database versions not stated): gnomAD 0.00004 and 0.00062; TOPMed 0.00014; gnomAD exomes 0.00101 and 0.00205; ExAC 0.00246; 1000 Genomes Project 30x 0.00328; 1000 Genomes Project 0.00379.
gnomAD v4.1: 1,595 of 1,613,016 alleles (0.099%); highest among the groups gnomAD compares: South Asian, 1.6%; 27 homozygotes.

Submissions (6):

Labcorp Genetics (formerly Invitae), Labcorp
Classification: Benign. Last evaluated: 2026-02-01. Review status: criteria provided, single submitter. Criteria: Invitae Variant Classification Sherloc (09022015). Collection method: clinical testing. Allele origin: germline.

CeGaT Center for Human Genetics Tuebingen
Classification: Benign. Last evaluated: 2024-09-01. Review status: criteria provided, single submitter. Criteria: CeGaT Center For Human Genetics Tuebingen Variant Classification Criteria Version 2. Collection method: clinical testing. Allele origin: germline. Affected: yes. Observed: 1 variant allele.
Comment: ENPP1: BP4, BS1, BS2

Illumina Laboratory Services, Illumina
Classification: Uncertain significance for Hypophosphatemic rickets, autosomal recessive, 2. Last evaluated: 2017-04-27. Review status: criteria provided, single submitter. Criteria: ICSL Variant Classification Criteria 13 December 2019. Collection method: clinical testing. Allele origin: germline.

Illumina Laboratory Services, Illumina
Classification: Uncertain significance for Arterial calcification, generalized, of infancy, 1. Last evaluated: 2017-04-27. Review status: criteria provided, single submitter. Criteria: ICSL Variant Classification Criteria 13 December 2019. Collection method: clinical testing. Allele origin: germline.

Broad Center for Mendelian Genomics, Broad Institute of MIT and Harvard
Classification: Benign for Arterial calcification, generalized, of infancy, 1. Review status: criteria provided, single submitter. Criteria: ACMG Guidelines, 2015. Collection method: research. Allele origin: germline. Inheritance: Autosomal recessive inheritance. Affected: yes.
Comment: The heterozygous p.Arg821His variant in ENPP1 has been identified in 3 Pakistani relatives from 1 family with idiopathic infantile arterial calcification, all of whom were also homozygous for p.Asp804His (PMID: 15605415), and has been identified in >1% of South Asian chromosomes and 6 homozygotes by ExAC. In summary, this variant meets criteria to be classified as benign for autosomal recessive idiopathic infantile arterial calcification.

PreventionGenetics, part of Exact Sciences
Classification: Benign for ENPP1-related condition. Last evaluated: 2024-01-26. Review status: no assertion criteria provided. Collection method: clinical testing. Allele origin: germline. Not counted in ClinVar's aggregate classification.
Comment: This variant is classified as benign based on ACMG/AMP sequence variant interpretation guidelines (Richards et al. 2015 PMID: 25741868, with internal and published modifications).

Literature cited by the submitters: PubMed 15605415 (cited by Broad Center for Mendelian Genomics, Broad Institute of MIT and Harvard).